The following is an entry in ClinVar:

NM_001171.6(ABCC6):c.1394T>G (p.Leu465Arg)

Gene: ABCC6 (ATP binding cassette subfamily C member 6; minus strand). Cytogenetic location: 16p13.11.
Variant type: single nucleotide variant.
Coding change: c.1394T>G on transcript NM_001171.6 (MANE Select); coding-DNA position 1394, T replaced by G.
Protein change: p.Leu465Arg; replaces leucine 465 with arginine.
Molecular consequence: missense variant. On other transcripts: non-coding transcript variant (1).
Genome position (GRCh38, 1-based): chr16:16,192,867, A>C on the plus strand (T>G on the coding strand, the complement: ABCC6 is on the minus strand). VCF-style: chr16-16192867-A-C. GRCh37 (hg19) VCF-style: chr16-16286724-A-C.
Other names: c.1052T>G, p.Leu351Arg (NM_001351800.1); short protein forms L351R, L465R.
Identifiers: ClinVar variation 1502974 (VCV001502974.8), dbSNP rs2152272827, ClinGen allele CA394890032.

ClinVar aggregate classification (germline): Uncertain significance (1 of 4 stars; one submission).

Submission:

Labcorp Genetics (formerly Invitae), Labcorp
Classification: Uncertain significance. Last evaluated: 2021-06-12. Review status: criteria provided, single submitter. Criteria: Invitae Variant Classification Sherloc (09022015). Collection method: clinical testing. Allele origin: germline.
Comment: This sequence change replaces leucine with arginine at codon 465 of the ABCC6 protein (p.Leu465Arg). The leucine residue is moderately conserved and there is a moderate physicochemical difference between leucine and arginine. This variant is not present in population databases (ExAC no frequency). This variant has not been reported in the literature in individuals with ABCC6-related conditions. Algorithms developed to predict the effect of missense changes on protein structure and function are either unavailable or do not agree on the potential impact of this missense change (SIFT: "Deleterious"; PolyPhen-2: "Probably Damaging"; Align-GVGD: "Class C0"). In summary, the available evidence is currently insufficient to determine the role of this variant in disease. Therefore, it has been classified as a Variant of Uncertain Significance.